The following is an entry in ClinVar:

NM_173598.6(KSR2):c.1867G>C (p.Asp623His)

Gene: KSR2 (kinase suppressor of ras 2; minus strand). Cytogenetic location: 12q24.22.
Variant type: single nucleotide variant.
Coding change: c.1867G>C on transcript NM_173598.6 (MANE Select); coding-DNA position 1867, G replaced by C.
Protein change: p.Asp623His; replaces aspartic acid 623 with histidine.
Molecular consequence: missense variant.
Genome position (GRCh38, 1-based): chr12:117,525,204, C>G on the plus strand (G>C on the coding strand, the complement: KSR2 is on the minus strand). VCF-style: chr12-117525204-C-G. GRCh37 (hg19) VCF-style: chr12-117963009-C-G.
Other names: short protein forms D623H.
Identifiers: ClinVar variation 3352884 (VCV003352884.1).
Genomic context (GRCh38, chr12:117,525,204, plus strand): 5'-GGGCCGAGAGGAGGGACAGGTTCATCTCCTCGAAGTCATCCTCTGACTCTTCGGCCTCAT[C>G]ATGGACCTCTTCATTCTGTGGCCGGAGTGGGAGAGAGGTCAGAATTGTGTCTGCCACTGC-3'
Protein context (NP_775869.4, residues 613-633): EPTSENEEVH[Asp623His]EAEESEDDFE

ClinVar aggregate classification (germline): Uncertain significance (0 of 4 stars; one submission).

Conditions:
KSR2-related disorder. Also called: KSR2-related condition.

gnomAD v4.1: 12 of 1,603,392 alleles (0.00075%); highest among the groups gnomAD compares: Non-Finnish European, 0.001%; no homozygotes.

Submission:

PreventionGenetics, part of Exact Sciences
Classification: Uncertain significance for KSR2-related condition. Last evaluated: 2024-08-16. Review status: no assertion criteria provided. Collection method: clinical testing. Allele origin: germline.
Comment: The KSR2 c.1780G>C variant is predicted to result in the amino acid substitution p.Asp594His. To our knowledge, this variant has not been reported in the literature. This variant is reported in 0.00091% of alleles in individuals of European (Non-Finnish) descent in gnomAD. At this time, the clinical significance of this variant is uncertain due to the absence of conclusive functional and genetic evidence.